The following is an entry in ClinVar:

NC_012920.1(MT-ND2):m.4725A>T

Gene: MT-ND2 (mitochondrially encoded NADH dehydrogenase 2; plus strand).
Variant type: single nucleotide variant.
Genome position: chrM-4725-A-T.
Identifiers: ClinVar variation 692488 (VCV000692488.1), dbSNP rs1603219581, ClinGen allele CA414775509.
Genomic context (GRCh38, chrMT:4,725, plus strand): 5'-GCATCCATAATCCTTCTAATAGCTATCCTCTTCAACAATATACTCTCCGGACAATGAACC[A>T]TAACCAATACTACCAATCAATACTCATCATTAATAATCATAATAGCTATAGCAATAAAAC-3'

ClinVar aggregate classification (germline): Likely benign (1 of 4 stars; one submission).

Conditions:
Leigh syndrome (NULS). Also called: Leigh's necrotizing encephalopathy; Leigh's disease; Leigh Syndrome (mtDNA deletion); Leigh Disease; Subacute necrotizing encephalopathy; Necrotizing encephalopathy infantile subacute of Leigh. Identifiers: Orphanet 506, MedGen C2931891, MONDO:0009723, OMIM 256000.

Submission:

Wong Mito Lab, Molecular and Human Genetics, Baylor College of Medicine
Classification: Likely benign for Leigh syndrome. Last evaluated: 2019-10-17. Review status: criteria provided, single submitter. Criteria: Modified ACMG Guidelines (Unpublished). Collection method: clinical testing. Allele origin: germline.
Comment: The NC_012920.1:m.4725A>T (YP_003024027.1:p.Met86Leu) variant in MTND2 gene is interpretated to be a Likely Benign variant based on the modified ACMG guidelines (unpublished). This variant meets the following evidence codes: BS4, BP4, BP6